The following is an entry in ClinVar:

NM_001009944.3(PKD1):c.8369C>T (p.Pro2790Leu)

Gene: PKD1 (polycystin 1, transient receptor potential channel interacting; minus strand). Cytogenetic location: 16p13.3.
Variant type: single nucleotide variant.
Coding change: c.8369C>T on transcript NM_001009944.3 (MANE Select); coding-DNA position 8369, C replaced by T.
Protein change: p.Pro2790Leu; replaces proline 2790 with leucine.
Molecular consequence: missense variant.
Genome position (GRCh38, 1-based): chr16:2,103,688, G>A on the plus strand (C>T on the coding strand, the complement: PKD1 is on the minus strand). VCF-style: chr16-2103688-G-A. GRCh37 (hg19) VCF-style: chr16-2153689-G-A.
Other names: c.8369C>T, p.Pro2790Leu (NM_000296.4); short protein forms P2790L.
Identifiers: ClinVar variation 448017 (VCV000448017.5), dbSNP rs769345341, ClinGen allele CA7830544.
Genomic context (GRCh38, chr16:2,103,688, plus strand): 5'-TCGGGGATGGAGAAGTGGCAGCCAGGCCCTGGGGCGCCGCCATAGCACAGCAGGCTCCGC[G>A]GGTCCGAGCGCTTGCCCTGGGCCACGATCTCCTCGCCCGCCAGCGTCAGGGGCTCCTCGT-3'
Protein context (NP_001009944.3, residues 2780-2800): EIVAQGKRSD[Pro2790Leu]RSLLCYGGAP

ClinVar aggregate classification (germline): Uncertain significance. Review status: criteria provided, multiple submitters, no conflicts (2 of 4 stars). 4 submissions from 4 submitters: Uncertain significance (4). Last evaluated 2026-03-04.

Conditions:
PKD1-related disorder. Also called: PKD1-related condition.
Polycystic kidney disease, adult type (PKD1). Also called: POLYCYSTIC KIDNEY DISEASE, ADULT, TYPE I; Polycystic Kidney Disease 1, Autosomal Dominant; Polycystic kidney disease 1; Polycystic kidney disease 1, severe; Polycystic Kidney, Autosomal Dominant; POLYCYSTIC KIDNEY DISEASE 1 WITH OR WITHOUT POLYCYSTIC LIVER DISEASE. Identifiers: MedGen C3149841, MONDO:0008263, OMIM 173900.

Allele frequency attached by ClinVar (database versions not stated): gnomAD 0.00003 and 0.00002; gnomAD exomes 0.00003; TOPMed 0.00009; ExAC 0.00003.
gnomAD v4.1: 57 of 1,610,032 alleles (0.0035%); highest among the groups gnomAD compares: Middle Eastern, 0.068%; no homozygotes.

Submissions (4):

PreventionGenetics, part of Exact Sciences
Classification: Uncertain significance for PKD1-related condition. Last evaluated: 2026-03-04. Review status: criteria provided, single submitter. Criteria: ACMG Guidelines, 2015. Collection method: clinical testing. Allele origin: germline.
Comment: The PKD1 c.8369C>T variant is predicted to result in the amino acid substitution p.Pro2790Leu. This variant was reported with two alleles (i.e. probably two individuals) in a study of genetic variants in patients with autosomal dominant polycystic kidney disease (ADPKD) (Table S5, Carrera et al. 2016. PubMed ID: 27499327). This variant is reported in 0.0087% of alleles in individuals of Latino descent in gnomAD. At this time, the clinical significance of this variant is uncertain due to the absence of conclusive functional and genetic evidence.

Fulgent Genetics
Classification: Uncertain significance for Polycystic kidney disease, adult type. Last evaluated: 2021-11-02. Review status: criteria provided, single submitter. Criteria: ACMG Guidelines, 2015. Collection method: clinical testing. Allele origin: unknown.

GeneDx
Classification: Uncertain significance. Last evaluated: 2020-10-22. Review status: criteria provided, single submitter. Criteria: GeneDx Variant Classification Process June 2021. Collection method: clinical testing. Allele origin: germline. Affected: yes.
Comment: In silico analysis supports that this missense variant has a deleterious effect on protein structure/function; Identified in a patient with polycystic kidney disease in the published literature who also harbored two additional variants in the PKD1 gene, but it is not known whether the variants occurred on the same (in cis) or on different (in trans) chromosomes (Carrera et al., 2016); This variant is associated with the following publications: (PMID: 27499327)

Athena Diagnostics
Classification: Uncertain significance. Last evaluated: 2016-11-10. Review status: criteria provided, single submitter. Criteria: Athena Diagnostics Criteria. Collection method: clinical testing. Allele origin: germline.

Literature cited by the submitters: PubMed 27499327 (cited by Athena Diagnostics).